The following is an entry in ClinVar:

ClinVar aggregate classification (germline): Uncertain significance. Review status: criteria provided, multiple submitters, no conflicts (2 of 4 stars). 4 submissions from 4 submitters: Uncertain significance (4). Last evaluated 2024-11-21.

Conditions:
Hereditary cancer-predisposing syndrome. Also called: Hereditary Cancer Syndrome; Neoplastic Syndromes, Hereditary; Tumor predisposition; Hereditary neoplastic syndrome. Identifiers: Orphanet 140162, MedGen C0027672, MeSH D009386, MONDO:0015356.
Familial cancer of breast. Also called: BREAST CANCER, FAMILIAL; Hereditary breast cancer; hereditary breast carcinoma. Identifiers: Orphanet 227535, MedGen C0346153, MONDO:0016419, OMIM 114480. Disease mechanism: loss of function.
Ataxia-telangiectasia syndrome (AT). Also called: Cerebello-oculocutaneous telangiectasia; Immunodeficiency with ataxia telangiectasia; Ataxia-telangiectasia, complementation group E; Ataxia-telangiectasia, complementation group D; AT, COMPLEMENTATION GROUP C; ATAXIA-TELANGIECTASIA, COMPLEMENTATION GROUP A. Identifiers: Orphanet 100, MedGen C0004135, MONDO:0008840, OMIM 208900.

Allele frequency attached by ClinVar (database versions not stated): gnomAD exomes 0.00001 and below 0.00001; ExAC 0.00001.
gnomAD v4.1: 2 of 1,614,168 alleles (0.00012%); highest among the groups gnomAD compares: Non-Finnish European, 0.00017%; no homozygotes.

Submissions (4):

Ambry Genetics
Classification: Uncertain significance for Hereditary cancer-predisposing syndrome. Last evaluated: 2024-11-21. Review status: criteria provided, single submitter. Criteria: Ambry Variant Classification Scheme 2023. Collection method: clinical testing. Allele origin: germline.
Comment: The p.I2311V variant (also known as c.6931A>G), located in coding exon 46 of the ATM gene, results from an A to G substitution at nucleotide position 6931. The isoleucine at codon 2311 is replaced by valine, an amino acid with highly similar properties. This amino acid position is not well conserved in available vertebrate species. In addition, the in silico prediction for this alteration is inconclusive. Based on the available evidence, the clinical significance of this variant remains unclear.

GeneDx
Classification: Uncertain significance. Last evaluated: 2024-01-23. Review status: criteria provided, single submitter. Criteria: GeneDx Variant Classification Process June 2021. Collection method: clinical testing. Allele origin: germline. Affected: yes.
Comment: Not observed at significant frequency in large population cohorts (gnomAD); In silico analysis supports that this missense variant does not alter protein structure/function; Has not been previously published as pathogenic or benign to our knowledge; This variant is associated with the following publications: (PMID: 23532176)

Baylor Genetics
Classification: Uncertain significance for Familial cancer of breast. Last evaluated: 2023-06-23. Review status: criteria provided, single submitter. Criteria: ACMG Guidelines, 2015. Collection method: clinical testing. Allele origin: unknown.

Labcorp Genetics (formerly Invitae), Labcorp
Classification: Uncertain significance for Ataxia-telangiectasia syndrome. Last evaluated: 2022-07-19. Review status: criteria provided, single submitter. Criteria: Invitae Variant Classification Sherloc (09022015). Collection method: clinical testing. Allele origin: germline.
Comment: This sequence change replaces isoleucine, which is neutral and non-polar, with valine, which is neutral and non-polar, at codon 2311 of the ATM protein (p.Ile2311Val). In summary, the available evidence is currently insufficient to determine the role of this variant in disease. Therefore, it has been classified as a Variant of Uncertain Significance. Advanced modeling of protein sequence and biophysical properties (such as structural, functional, and spatial information, amino acid conservation, physicochemical variation, residue mobility, and thermodynamic stability) performed at Invitae indicates that this missense variant is not expected to disrupt ATM protein function. ClinVar contains an entry for this variant (Variation ID: 580840). This variant has not been reported in the literature in individuals affected with ATM-related conditions. This variant is present in population databases (rs776429506, gnomAD 0.002%).

NM_000051.4(ATM):c.6931A>G (p.Ile2311Val)

Genes: ATM (ATM serine/threonine kinase; plus strand), C11orf65 (chromosome 11 open reading frame 65; minus strand). Cytogenetic location: 11q22.3.
Variant type: single nucleotide variant.
Coding change: c.6931A>G on transcript NM_000051.4 (MANE Select); coding-DNA position 6931, A replaced by G.
Protein change: p.Ile2311Val; replaces isoleucine 2311 with valine.
Molecular consequence: missense variant. On other transcripts: intron variant (2).
Genome position (GRCh38, 1-based): chr11:108,326,181, A>G. VCF-style: chr11-108326181-A-G. GRCh37 (hg19) VCF-style: chr11-108196908-A-G.
Other names: c.6931A>G, p.Ile2311Val (NM_001351834.2); c.641-17110T>C (NM_001330368.2); c.*38+9039T>C (NM_001351110.2); short protein forms I2311V.
Identifiers: ClinVar variation 580840 (VCV000580840.12), dbSNP rs776429506, ClinGen allele CA6266033.